The following is an entry in ClinVar:

ClinVar aggregate classification (germline): Uncertain significance. Review status: criteria provided, multiple submitters, no conflicts (2 of 4 stars). 2 submissions from 2 submitters: Uncertain significance (2). Last evaluated 2024-08-29.

Conditions:
Frasier syndrome. Identifiers: Orphanet 347, MedGen C0950122, MeSH D052159, MONDO:0007635, OMIM 136680.
Drash syndrome (DDS). Also called: WILMS TUMOR AND PSEUDO- OR TRUE HERMAPHRODITISM; NEPHROPATHY, WILMS TUMOR, AND GENITAL ANOMALIES. Identifiers: Orphanet 220, MedGen C0950121, MONDO:0008682, OMIM 194080.
Wilms tumor 1 (WT1). Also called: Wilms tumor, somatic. Identifiers: Orphanet 654, MedGen CN033288, MONDO:0008679, OMIM 194070.
11p partial monosomy syndrome (WAGR). Also called: WAGR Complex; WAGR syndrome; CHROMOSOME 11p13 DELETION SYNDROME; WAGR Spectrum Disorder. Identifiers: Orphanet 893, MedGen C0206115, MONDO:0008681, OMIM 194072.

Submissions (2):

All of Us Research Program, National Institutes of Health
Classification: Uncertain significance for Wilms tumor 1. Last evaluated: 2024-08-29. Review status: criteria provided, single submitter. Criteria: ACMG Guidelines, 2015. Collection method: clinical testing. Allele origin: germline. Inheritance: Autosomal dominant inheritance. Observed: 2 variant alleles, 2 heterozygotes.
Comment: This missense variant replaces leucine with isoleucine at codon 311 of the WT1 protein. Computational prediction is inconclusive regarding the impact of this variant on protein structure and function (internally defined REVEL score threshold 0.5 < inconclusive < 0.7, PMID: 27666373). To our knowledge, functional studies have not been reported for this variant. This variant has not been reported in individuals affected with WT1-related disorders in the literature. This variant has not been identified in the general population by the Genome Aggregation Database (gnomAD). The available evidence is insufficient to determine the role of this variant in disease conclusively. Therefore, this variant is classified as a Variant of Uncertain Significance.

This study involves interpretation of variants in research participants for the purpose of population health screening. Participant phenotype was not available at the time of variant classification. Additional details can be found in publication PMID: 35346344, PMCID: PMC8962531

Labcorp Genetics (formerly Invitae), Labcorp
Classification: Uncertain significance for Wilms tumor 1; Drash syndrome; 11p partial monosomy syndrome; Frasier syndrome. Last evaluated: 2021-08-10. Review status: criteria provided, single submitter. Criteria: Invitae Variant Classification Sherloc (09022015). Collection method: clinical testing. Allele origin: germline.
Comment: This sequence change replaces leucine with isoleucine at codon 311 of the WT1 protein (p.Leu311Ile). The leucine residue is highly conserved and there is a small physicochemical difference between leucine and isoleucine. This variant has not been reported in the literature in individuals with WT1-related conditions. This variant is not present in population databases (ExAC no frequency). In summary, the available evidence is currently insufficient to determine the role of this variant in disease. Therefore, it has been classified as a Variant of Uncertain Significance. Algorithms developed to predict the effect of missense changes on protein structure and function are either unavailable or do not agree on the potential impact of this missense change (SIFT: "Deleterious"; PolyPhen-2: "Probably Damaging"; Align-GVGD: "Class C0").

NM_024426.6(WT1):c.946T>A (p.Leu316Ile)

Gene: WT1 (WT1 transcription factor; minus strand). Cytogenetic location: 11p13.
Variant type: single nucleotide variant.
Coding change: c.946T>A on transcript NM_024426.6 (MANE Select); coding-DNA position 946, T replaced by A.
Protein change: p.Leu316Ile; replaces leucine 316 with isoleucine.
Molecular consequence: missense variant. On other transcripts: non-coding transcript variant (1).
Genome position (GRCh38, 1-based): chr11:32,417,596, A>T on the plus strand (T>A on the coding strand, the complement: WT1 is on the minus strand). VCF-style: chr11-32417596-A-T. GRCh37 (hg19) VCF-style: chr11-32439142-A-T.
Other names: c.946T>A, p.Leu316Ile (NM_000378.6, NM_001407044.1, NM_001407045.1 and 4 more transcripts); c.295T>A, p.Leu99Ile (NM_001198551.2, NM_001198552.2); c.823T>A, p.Leu275Ile (NM_001407047.1, NM_001407050.1); c.184T>A, p.Leu62Ile (NM_001407051.1); c.931T>A, p.Leu311Ile (NM_024425.2); short protein forms L316I, L99I, L62I, L275I, L311I.
Identifiers: ClinVar variation 1356875 (VCV001356875.10), dbSNP rs2133036912, ClinGen allele CA379962060.